The following is an entry in ClinVar:

NM_004369.4(COL6A3):c.9494-2A>G

Genes: COL6A3 (collagen type VI alpha 3 chain; minus strand), LOC126806573 (CDK7 strongly-dependent group 2 enhancer GRCh37_chr2:238233151-238234350; plus strand). Cytogenetic location: 2q37.3.
Variant type: single nucleotide variant.
Coding change: c.9494-2A>G on transcript NM_004369.4 (MANE Select); the canonical splice acceptor site of the intron before coding-DNA position 9494, A replaced by G.
Molecular consequence: splice acceptor variant.
Genome position (GRCh38, 1-based): chr2:237,324,816, T>C on the plus strand (A>G on the coding strand, the complement: COL6A3 is on the minus strand). VCF-style: chr2-237324816-T-C. GRCh37 (hg19) VCF-style: chr2-238233459-T-C.
Other names: c.7673-2A>G (NM_057166.5); c.8876-2A>G (NM_057167.4).
Identifiers: ClinVar variation 576775 (VCV000576775.13), dbSNP rs142546062, ClinGen allele CA2187237.

ClinVar aggregate classification (germline): Uncertain significance. Review status: criteria provided, multiple submitters, no conflicts (2 of 4 stars). 4 submissions from 4 submitters: Uncertain significance (4). Last evaluated 2026-02-01.

Conditions:
Bethlem myopathy 1C (BTHLM1C). Identifiers: MedGen C5935581, MONDO:0958234, OMIM 620726.
Bethlem myopathy 1A. Also called: Bethlem myopathy 1; Bethlem Muscular Dystrophy; MYOPATHY, BENIGN CONGENITAL, WITH CONTRACTURES. Identifiers: Orphanet 610, MedGen CN029274, MONDO:0024530, OMIM 158810.

Allele frequency attached by ClinVar (database versions not stated): gnomAD exomes 0.00001 and 0.00004; ExAC 0.00006; 1000 Genomes Project 30x 0.00016; 1000 Genomes Project 0.00020; TOPMed 0.00022; ESP Exome Variant Server 0.00023; gnomAD 0.00023 and 0.00026.
gnomAD v4.1: 55 of 1,613,276 alleles (0.0034%); highest among the groups gnomAD compares: African/African-American, 0.069%; no homozygotes.

Submissions (4):

Egypt Genome Project
Classification: Uncertain significance for Bethlem myopathy 1C. Last evaluated: 2026-02-01. Review status: criteria provided, single submitter. Criteria: ACMG Guidelines, 2015. Collection method: research. Allele origin: germline. Affected: yes.
Comment: The NM_004369.3c.9494-2A>G variant is classified as a un uncertain significance variant based on the ACMG/AMP criteria (PP3, PM2)

Labcorp Genetics (formerly Invitae), Labcorp
Classification: Uncertain significance for Bethlem myopathy 1A. Last evaluated: 2025-11-18. Review status: criteria provided, single submitter. Criteria: Invitae Variant Classification Sherloc (09022015). Collection method: clinical testing. Allele origin: germline.
Comment: This sequence change affects an acceptor splice site in intron 43 of the COL6A3 gene. While this variant is not anticipated to result in nonsense mediated decay, it likely alters RNA splicing and results in a disrupted protein product. This variant is present in population databases (rs142546062, gnomAD 0.1%). This variant has not been reported in the literature in individuals affected with COL6A3-related conditions. ClinVar contains an entry for this variant (Variation ID: 576775). Variants that disrupt the consensus splice site are a relatively common cause of aberrant splicing (PMID: 17576681, 9536098). Algorithms developed to predict the effect of sequence changes on RNA splicing suggest that this variant may disrupt the consensus splice site. In summary, the available evidence is currently insufficient to determine the role of this variant in disease. Therefore, it has been classified as a Variant of Uncertain Significance.

GeneDx
Classification: Uncertain significance. Last evaluated: 2024-03-15. Review status: criteria provided, single submitter. Criteria: GeneDx Variant Classification Process June 2021. Collection method: clinical testing. Allele origin: germline. Affected: yes.
Comment: Canonical splice site variant with an unclear effect on protein function; Has not been previously published as pathogenic or benign to our knowledge

Revvity Omics, Revvity
Classification: Uncertain significance. Last evaluated: 2020-12-28. Review status: criteria provided, single submitter. Criteria: ACMG Guidelines, 2015. Collection method: clinical testing. Allele origin: germline.

Literature cited by the submitters: PubMed 17576681 (cited by Labcorp Genetics (formerly Invitae), Labcorp); PubMed 9536098 (cited by Labcorp Genetics (formerly Invitae), Labcorp).